The following is an entry in ClinVar:

NM_000059.4(BRCA2):c.5306A>T (p.Asp1769Val)

Gene: BRCA2 (BRCA2 DNA repair associated; plus strand). Cytogenetic location: 13q13.1.
Variant type: single nucleotide variant.
Coding change: c.5306A>T on transcript NM_000059.4 (MANE Select); coding-DNA position 5306, A replaced by T.
Protein change: p.Asp1769Val; replaces aspartic acid 1769 with valine.
Molecular consequence: missense variant. On other transcripts: non-coding transcript variant (1), intron variant (2).
Genome position (GRCh38, 1-based): chr13:32,339,661, A>T. VCF-style: chr13-32339661-A-T. GRCh37 (hg19) VCF-style: chr13-32913798-A-T.
Other names: c.5306A>T, p.Asp1769Val (NM_001406719.1, NM_001406720.1, NM_001432077.1); c.1910-4897A>T (NM_001406721.1); c.425-4897A>T (NM_001406722.1); short protein forms D1769V.
Identifiers: ClinVar variation 4755851 (VCV004755851.1).

ClinVar aggregate classification (germline): Uncertain significance (1 of 4 stars; one submission).

gnomAD v4.1: 5 of 1,612,562 alleles (0.00031%); highest among the groups gnomAD compares: East Asian, 0.0022%; no homozygotes.

Submission:

GeneDx
Classification: Uncertain significance. Last evaluated: 2025-08-06. Review status: criteria provided, single submitter. Criteria: GeneDx Variant Classification Process June 2021. Collection method: clinical testing. Allele origin: germline. Affected: yes.
Comment: Not observed at significant frequency in large population cohorts (gnomAD); In silico analysis supports that this missense variant has a deleterious effect on protein structure/function; Has not been previously published as pathogenic or benign to our knowledge; Also known as 5534A>T